The following is an entry in ClinVar:

NM_000255.4(MMUT):c.1797del (p.Ala600fs)

Gene: MMUT (methylmalonyl-CoA mutase; minus strand). Cytogenetic location: 6p12.3.
Variant type: Deletion.
Coding change: c.1797del on transcript NM_000255.4 (MANE Select); coding-DNA position 1797, one base deleted (T; older notation c.1797delT).
Protein change: p.Ala600fs; shifts the reading frame from alanine 600.
Molecular consequence: frameshift variant.
Genome position (GRCh38, 1-based): chr6:49,441,851, A deleted on the plus strand (T on the coding strand, the reverse complement: MMUT is on the minus strand). VCF-style (leftmost placement, unchanged base first): chr6-49441850-CA-C. GRCh37 (hg19) VCF-style: chr6-49409563-CA-C.
Other names: short protein forms A600fs.
Identifiers: ClinVar variation 5015804 (VCV005015804.1).

ClinVar aggregate classification (germline): Pathogenic (1 of 4 stars; one submission).

Conditions:
Methylmalonic aciduria due to methylmalonyl-CoA mutase deficiency (MAMM). Also called: Methylmalonic aciduria, mut type. Identifiers: Orphanet 27, MedGen C1855114, MONDO:0009612, OMIM 251000.

Submission:

Myriad Genetics, Inc.
Classification: Pathogenic for Methylmalonic aciduria due to methylmalonyl-CoA mutase deficiency. Last evaluated: 2026-04-16. Review status: criteria provided, single submitter. Criteria: Myriad Autosomal Dominant, Autosomal Recessive and X-Linked Classification Criteria (2023). Collection method: clinical testing. Allele origin: unknown.
Comment: NM_000255.3(MMUT):c.1797delT(A600Lfs*20) is expected to be pathogenic in the context of methylmalonic acidemia, MMUT-related. This variant is predicted to lead to an abnormal or absent protein product due to the creation of a premature termination codon in MMUT, a gene where loss-of-function variants are known to be pathogenic. Please note: this variant was assessed in the context of healthy population screening.